The following is an entry in ClinVar:

ClinVar aggregate classification (germline): Uncertain significance. Review status: criteria provided, multiple submitters, no conflicts (2 of 4 stars). 3 submissions from 3 submitters: Uncertain significance (3). Last evaluated 2024-09-02.

Conditions:
Inborn genetic diseases. Identifiers: MedGen C0950123, MeSH D030342.

Allele frequency attached by ClinVar (database versions not stated): gnomAD 0.00006; TOPMed 0.00009; 1000 Genomes Project 30x 0.00016.
gnomAD v4.1: 89 of 1,474,894 alleles (0.006%); highest among the groups gnomAD compares: East Asian, 0.21%; no homozygotes.

Submissions (3):

Ambry Genetics
Classification: Uncertain significance for Inborn genetic diseases. Last evaluated: 2024-09-02. Review status: criteria provided, single submitter. Criteria: Ambry Variant Classification Scheme 2023. Collection method: clinical testing. Allele origin: germline.

Blueprint Genetics
Classification: Uncertain significance. Last evaluated: 2024-08-06. Review status: criteria provided, single submitter. Criteria: ACMG Guidelines, 2015. Collection method: clinical testing. Allele origin: germline.

Labcorp Genetics (formerly Invitae), Labcorp
Classification: Uncertain significance. Last evaluated: 2024-07-25. Review status: criteria provided, single submitter. Criteria: Invitae Variant Classification Sherloc (09022015). Collection method: clinical testing. Allele origin: germline.
Comment: This sequence change replaces arginine, which is basic and polar, with glycine, which is neutral and non-polar, at codon 389 of the HEPACAM protein (p.Arg389Gly). This variant is present in population databases (rs752529150, gnomAD 0.1%). This variant has not been reported in the literature in individuals affected with HEPACAM-related conditions. ClinVar contains an entry for this variant (Variation ID: 2396180). An algorithm developed to predict the effect of missense changes on protein structure and function (PolyPhen-2) suggests that this variant is likely to be tolerated. In summary, the available evidence is currently insufficient to determine the role of this variant in disease. Therefore, it has been classified as a Variant of Uncertain Significance.

NM_152722.5(HEPACAM):c.1165C>G (p.Arg389Gly)

Gene: HEPACAM (hepatic and glial cell adhesion molecule; minus strand). Cytogenetic location: 11q24.2.
Variant type: single nucleotide variant.
Coding change: c.1165C>G on transcript NM_152722.5 (MANE Select); coding-DNA position 1165, C replaced by G.
Protein change: p.Arg389Gly; replaces arginine 389 with glycine.
Molecular consequence: missense variant.
Genome position (GRCh38, 1-based): chr11:124,921,224, G>C on the plus strand (C>G on the coding strand, the complement: HEPACAM is on the minus strand). VCF-style: chr11-124921224-G-C. GRCh37 (hg19) VCF-style: chr11-124791120-G-C.
Other names: c.1321C>G, p.Arg441Gly (NM_001411043.1); short protein forms R389G, R441G.
Identifiers: ClinVar variation 2396180 (VCV002396180.6), dbSNP rs752529150, ClinGen allele CA6345545.
Genomic context (GRCh38, chr11:124,921,224, plus strand): 5'-CCTCGTCTTGCTCGCGGATTATGTGCACGCCCGCAGTCCGCAGTGTGCGCGAGGCGCTGC[G>C]CGAGCGGCCGGGCGAGCTCGGGGCCCTGGGCGGCGACGAGTGTGTCCGGCCGGTGGCTGG-3'
Protein context (NP_689935.2, residues 379-399): PRAPSSPGRS[Arg389Gly]SASRTLRTAG